The following is an entry in ClinVar:

NM_005680.3(TAF1B):c.197dup (p.Asn66fs)

Gene: TAF1B (TATA-box binding protein associated factor, RNA polymerase I subunit B; plus strand). Cytogenetic location: 2p25.1.
Variant type: Duplication.
Coding change: c.197dup on transcript NM_005680.3 (MANE Select); coding-DNA position 197, one base duplicated (A; older notation c.197dupA).
Protein change: p.Asn66fs; shifts the reading frame from asparagine 66.
Molecular consequence: frameshift variant. On other transcripts: 5 prime UTR variant (2).
Genome position (GRCh38, 1-based): chr2:9,849,452, A duplicated; the last of 11 consecutive A bases (chr2:9,849,442-9,849,452); duplicating any one gives the same sequence. VCF-style (leftmost placement, unchanged base first): chr2-9849441-T-TA. GRCh37 (hg19) VCF-style: chr2-9989570-T-TA.
Other names: c.-415dup (NM_001318976.1, NM_001318977.1); short protein forms N66fs.
Identifiers: ClinVar variation 2575901 (VCV002575901.2), dbSNP rs528368939, ClinGen allele CA1524223.

ClinVar aggregate classification (germline): Uncertain significance (1 of 4 stars; one submission).

Conditions:
Orofacial cleft 1 (OFC1). Also called: Nonsyndromic Cleft Lip/Palate; CLEFT LIP WITH OR WITHOUT CLEFT PALATE, NONSYNDROMIC, 1; OROFACIAL CLEFT, NONSYNDROMIC. Identifiers: MedGen C1861537, MeSH C566121, MONDO:0007335, OMIM 119530.

Submission:

Grupo de Genetica Humana, Facultad de Medicina - Universidad de La Sabana
Classification: Uncertain significance for Orofacial cleft 1. Last evaluated: 2022-11-22. Review status: criteria provided, single submitter. Criteria: ACMG Guidelines, 2015. Collection method: research. Allele origin: germline. Affected: yes and no. Observed: 4 variant alleles.
Comment: VUS producing a null variant (frameshift) in the TAF1B gene, which encodes one of the proteins in the assembly of the RNA polymerase I preinitiation complex. Although no association has been proposed for this variant with orofacial cleft, it is predicted to produce Loss of Function, which is a known mechanism of disease for this gene and is located in a functional domain (“B-reader”) of the encoded protein. Other variants in TAF1B have achieved genome-wide significance for nonsyndromic orofacial clefts in a GWAS study with more than 7,000 patients with non-syndromic orofacial cleft.

Literature cited by the submitters: DOI:10.1038/NCOMMS14364.